The following is an entry in ClinVar:

ClinVar aggregate classification (germline): Uncertain significance. Review status: criteria provided, multiple submitters, no conflicts (2 of 4 stars). 2 submissions from 2 submitters: Uncertain significance (2). Last evaluated 2024-09-15.

Conditions:
Hereditary cancer-predisposing syndrome. Also called: Hereditary neoplastic syndrome; Hereditary Cancer Syndrome; Neoplastic Syndromes, Hereditary; Tumor predisposition. Identifiers: Orphanet 140162, MedGen C0027672, MeSH D009386, MONDO:0015356.
Tuberous sclerosis 2 (TSC2). Identifiers: Orphanet 805, MedGen C1860707, MONDO:0013199, OMIM 613254.

gnomAD v4.1: 1 of 1,612,840 alleles (0.000062%); highest among the groups gnomAD compares: Non-Finnish European, 0.000085%; no homozygotes.

Submissions (2):

Ambry Genetics
Classification: Uncertain significance for Hereditary cancer-predisposing syndrome. Last evaluated: 2024-09-15. Review status: criteria provided, single submitter. Criteria: Ambry Variant Classification Scheme 2023. Collection method: clinical testing. Allele origin: germline.
Comment: The p.S994F variant (also known as c.2981C>T), located in coding exon 26 of the TSC2 gene, results from a C to T substitution at nucleotide position 2981. The serine at codon 994 is replaced by phenylalanine, an amino acid with highly dissimilar properties. This amino acid position is conserved. In addition, this alteration is predicted to be deleterious by in silico analysis. Based on the available evidence, the clinical significance of this variant remains unclear.

Labcorp Genetics (formerly Invitae), Labcorp
Classification: Uncertain significance for Tuberous sclerosis 2. Last evaluated: 2021-08-06. Review status: criteria provided, single submitter. Criteria: Invitae Variant Classification Sherloc (09022015). Collection method: clinical testing. Allele origin: germline.
Comment: Advanced modeling of protein sequence and biophysical properties (such as structural, functional, and spatial information, amino acid conservation, physicochemical variation, residue mobility, and thermodynamic stability) performed at Invitae indicates that this missense variant is not expected to disrupt TSC2 protein function. In summary, the available evidence is currently insufficient to determine the role of this variant in disease. Therefore, it has been classified as a Variant of Uncertain Significance. This variant has not been reported in the literature in individuals affected with TSC2-related conditions. This sequence change replaces serine with phenylalanine at codon 994 of the TSC2 protein (p.Ser994Phe). The serine residue is highly conserved and there is a large physicochemical difference between serine and phenylalanine. This variant is not present in population databases (ExAC no frequency).

NM_000548.5(TSC2):c.2981C>T (p.Ser994Phe)

Gene: TSC2 (TSC complex subunit 2; plus strand). Cytogenetic location: 16p13.3.
Variant type: single nucleotide variant.
Coding change: c.2981C>T on transcript NM_000548.5 (MANE Select); coding-DNA position 2981, C replaced by T.
Protein change: p.Ser994Phe; replaces serine 994 with phenylalanine.
Molecular consequence: missense variant.
Genome position (GRCh38, 1-based): chr16:2,079,046, C>T. VCF-style: chr16-2079046-C-T. GRCh37 (hg19) VCF-style: chr16-2129047-C-T.
Other names: c.2981C>T (NM_000548.3); c.2849C>T, p.Ser950Phe (NM_001077183.3, NM_001370404.1); c.2981C>T, p.Ser994Phe (NM_001114382.3); c.2741C>T, p.Ser914Phe (NM_001318827.2); c.2705C>T, p.Ser902Phe (NM_001318829.2); c.2249C>T, p.Ser750Phe (NM_001318831.2); c.2882C>T, p.Ser961Phe (NM_001318832.2); c.2852C>T, p.Ser951Phe (NM_001363528.2, NM_001370405.1, NM_021055.3); short protein forms S902F, S914F, S950F, S750F, S951F, S961F, S994F.
Identifiers: ClinVar variation 1373001 (VCV001373001.7), dbSNP rs2151430416, ClinGen allele CA394283581.
Genomic context (GRCh38, chr16:2,079,046, plus strand): 5'-CCGCCCTACCTGGCACCCTGACCCTGGTCACGGCCTCTCCCTCCAGCAGGATACAGACGT[C>T]CCTCACCAGTGCCAGCTTGGGGTCTGCAGATGAGAACTCCGTGGCCCAGGCTGACGATAG-3'
Protein context (NP_000539.2, residues 984-1004): EHVVRSRIQT[Ser994Phe]LTSASLGSAD